The following is an entry in ClinVar:

ClinVar aggregate classification (germline): Pathogenic (1 of 4 stars; one submission).

Conditions:
Cleidocranial dysostosis (CLCD1). Also called: cleidocranial dysplasia 1; Marie-Sainton disease; Cleidocranial Dysplasia Spectrum Disorder. Identifiers: Orphanet 1452, MedGen C0008928, MONDO:0007340, OMIM 119600.

Submission:

Clinical Biomedical Laboratory, Shriners Hospital For Children - Canada
Classification: Pathogenic for Cleidocranial dysostosis. Review status: criteria provided, single submitter. Criteria: ACMG Guidelines, 2015. Collection method: clinical testing. Allele origin: germline. Affected: yes.
Comment: This variant is predicted to substitute a proline residue by an arginine residue and introduce a stop codon 164 amino acids downstream. This is expected to lead to degradation of the affected transcript and loss of function of the affected allele. This variant is absent from the Genome Aggregation Database (v2.1.1.), indicating it is very rare. Based on the ACMG variant interpretation guidelines (criteria: PVS1, PM2, PP4), the available evidence supports classification of this variant as pathogenic.

NM_001024630.4(RUNX2):c.959del (p.Pro320fs)

Gene: RUNX2 (RUNX family transcription factor 2; plus strand). Cytogenetic location: 6p21.1.
Variant type: Deletion.
Coding change: c.959del on transcript NM_001024630.4 (MANE Select); coding-DNA position 959, one base deleted (C; older notation c.959delC).
Protein change: p.Pro320fs; shifts the reading frame from proline 320.
Molecular consequence: frameshift variant.
Genome position (GRCh38, 1-based): chr6:45,512,345, C deleted; the last of 4 consecutive C bases (chr6:45,512,342-45,512,345); deleting any one gives the same sequence. VCF-style (leftmost placement, unchanged base first): chr6-45512341-AC-A. GRCh37 (hg19) VCF-style: chr6-45480078-AC-A.
Other names: c.959del, p.Pro320fs (NM_001015051.4); c.917del, p.Pro306fs (NM_001278478.2, NM_001369405.1); short protein forms P306fs, P320fs.
Identifiers: ClinVar variation 4819352 (VCV004819352.1).
Genomic context (GRCh38, chr6:45,512,341, plus strand): 5'-TATGACCAGTCTTACCCCTCCTACCTGAGCCAGATGACGTCCCCGTCCATCCACTCTACC[AC>A]CCCGCTGTCTTCCACACGGGGCACTGGGCTTCCTGCCATCACCGATGTGCCTAGGCGCAT-3'